The following is an entry in ClinVar:

ClinVar aggregate classification (germline): Benign. Review status: criteria provided, single submitter (1 of 4 stars). 2 submissions from 2 submitters: Benign (1). 1 of the submissions does not count toward it. Last evaluated 2025-05-18.

Conditions:
SCYL1-related disorder. Also called: SCYL1-related condition.

Allele frequency attached by ClinVar (database versions not stated): gnomAD 0.00020 and 0.00050; TOPMed 0.00034; gnomAD exomes 0.00080 and 0.00085; ExAC 0.00105; 1000 Genomes Project 30x 0.00312; 1000 Genomes Project 0.00399.

Submissions (2):

Labcorp Genetics (formerly Invitae), Labcorp
Classification: Benign. Last evaluated: 2025-05-18. Review status: criteria provided, single submitter. Criteria: Invitae Variant Classification Sherloc (09022015). Collection method: clinical testing. Allele origin: germline.

PreventionGenetics, part of Exact Sciences
Classification: Benign for SCYL1-related condition. Last evaluated: 2019-10-28. Review status: no assertion criteria provided. Collection method: clinical testing. Allele origin: germline. Not counted in ClinVar's aggregate classification.
Comment: This variant is classified as benign based on ACMG/AMP sequence variant interpretation guidelines (Richards et al. 2015 PMID: 25741868, with internal and published modifications).

NM_020680.4(SCYL1):c.1387-4G>A

Gene: SCYL1 (SCY1 like pseudokinase 1; plus strand). Cytogenetic location: 11q13.1.
Variant type: single nucleotide variant.
Coding change: c.1387-4G>A on transcript NM_020680.4 (MANE Select); 4 bases into the intron before coding-DNA position 1387, G replaced by A.
Molecular consequence: intron variant.
Genome position (GRCh38, 1-based): chr11:65,535,949, G>A. VCF-style: chr11-65535949-G-A. GRCh37 (hg19) VCF-style: chr11-65303420-G-A.
Other names: c.1387-4G>A (NM_001048218.2).
Identifiers: ClinVar variation 724903 (VCV000724903.7), dbSNP rs76955800, ClinGen allele CA6099813.